The following is an entry in ClinVar:

ClinVar aggregate classification (germline): Likely benign. Review status: criteria provided, multiple submitters, no conflicts (2 of 4 stars). 2 submissions from 2 submitters: Likely benign (2). Last evaluated 2024-08-23.

Conditions:
Malignant hyperthermia, susceptibility to, 1 (MHS1). Also called: Malignant hyperthermia suceptibility 1; Anesthesia related hyperthermia; Malignant hyperpyrexia; Fulminating hyperpyrexia; Pharmacogenic myopathy; RYR1-Related Malignant Hyperthermia Susceptibility. Identifiers: Orphanet 423, MedGen C2930980, MONDO:0007783, OMIM 145600.
RYR1-related disorder. Also called: RYR1-related disorders; RYR1-related condition. Identifiers: MedGen CN239331.

Allele frequency attached by ClinVar (database versions not stated): gnomAD exomes below 0.00001; ExAC 0.00002; gnomAD 0.00003; TOPMed 0.00003; 1000 Genomes Project 30x 0.00016; 1000 Genomes Project 0.00020.
gnomAD v4.1: 9 of 1,614,246 alleles (0.00056%); highest among the groups gnomAD compares: African/African-American, 0.0067%; no homozygotes.

Submissions (2):

All of Us Research Program, National Institutes of Health
Classification: Likely benign for Malignant hyperthermia, susceptibility to, 1. Last evaluated: 2024-08-23. Review status: criteria provided, single submitter. Criteria: ACMG Guidelines, 2015. Collection method: clinical testing. Allele origin: germline. Inheritance: Autosomal dominant inheritance. Observed: 2 variant alleles, 2 heterozygotes.
Comment: This study involves interpretation of variants in research participants for the purpose of population health screening. Participant phenotype was not available at the time of variant classification. Additional details can be found in publication PMID: 35346344, PMCID: PMC8962531

Labcorp Genetics (formerly Invitae), Labcorp
Classification: Likely benign for RYR1-related disorder. Last evaluated: 2024-03-23. Review status: criteria provided, single submitter. Criteria: Invitae Variant Classification Sherloc (09022015). Collection method: clinical testing. Allele origin: germline.

NM_000540.3(RYR1):c.1032G>A (p.Leu344=)

Gene: RYR1 (ryanodine receptor 1; plus strand). Cytogenetic location: 19q13.2.
Variant type: single nucleotide variant.
Coding change: c.1032G>A on transcript NM_000540.3 (MANE Select); coding-DNA position 1032, G replaced by A.
Protein change: p.Leu344=; no amino-acid change (leucine 344 retained).
Molecular consequence: synonymous variant.
Genome position (GRCh38, 1-based): chr19:38,448,723, G>A. VCF-style: chr19-38448723-G-A. GRCh37 (hg19) VCF-style: chr19-38939363-G-A.
Other names: c.1032G>A, p.Leu344= (NM_001042723.2).
Identifiers: ClinVar variation 2913054 (VCV002913054.4), dbSNP rs568519125, ClinGen allele CA053084.
Genomic context (GRCh38, chr19:38,448,723, plus strand): 5'-GGCCCCCAAGCGGGATGTGGAGGGCATGGGCCCCCCTGAGATCAAGTACGGGGAGTCACT[G>A]TGCTTCGTGCAGCATGTGGCCTCAGGACTGTGGCTCACCTATGCTGCTCCAGACCCCAAG-3'
Protein context (NP_000531.2, residues 334-354): GPPEIKYGES[Leu344=]CFVQHVASGL